The following is an entry in ClinVar:

ClinVar aggregate classification (germline): Uncertain significance (1 of 4 stars; one submission).

Submission:

Labcorp Genetics (formerly Invitae), Labcorp
Classification: Uncertain significance. Last evaluated: 2025-11-06. Review status: criteria provided, single submitter. Criteria: Invitae Variant Classification Sherloc (09022015). Collection method: clinical testing. Allele origin: germline.
Comment: This sequence change replaces proline, which is neutral and non-polar, with leucine, which is neutral and non-polar, at codon 132 of the MAGEL2 protein (p.Pro132Leu). This variant is present in population databases (no rsID available, gnomAD 0.01%). This variant has not been reported in the literature in individuals affected with MAGEL2-related conditions. Experimental studies and prediction algorithms are not available or were not evaluated, and the functional significance of this variant is currently unknown. In summary, the available evidence is currently insufficient to determine the role of this variant in disease. Therefore, it has been classified as a Variant of Uncertain Significance.

NM_019066.5(MAGEL2):c.395C>T (p.Pro132Leu)

Gene: MAGEL2 (MAGE family member L2; minus strand). Cytogenetic location: 15q11.2.
Variant type: single nucleotide variant.
Coding change: c.395C>T on transcript NM_019066.5 (MANE Select); coding-DNA position 395, C replaced by T.
Protein change: p.Pro132Leu; replaces proline 132 with leucine.
Molecular consequence: missense variant.
Genome position (GRCh38, 1-based): chr15:23,647,348, G>A on the plus strand (C>T on the coding strand, the complement: MAGEL2 is on the minus strand). VCF-style: chr15-23647348-G-A. GRCh37 (hg19) VCF-style: chr15-23892495-G-A.
Other names: short protein forms P132L.
Identifiers: ClinVar variation 4690658 (VCV004690658.1).